The following is an entry in ClinVar:

NC_000019.10:g.1201926G>A

Gene: STK11 (serine/threonine kinase 11; plus strand). Cytogenetic location: 19p13.3.
Variant type: single nucleotide variant.
Genome position: GRCh38 VCF-style: chr19-1201926-G-A. GRCh37 (hg19) VCF-style: chr19-1201925-G-A.
Identifiers: ClinVar variation 1701346 (VCV001701346.31), dbSNP rs185744805, ClinGen allele CA304014342.

ClinVar aggregate classification (germline): Likely benign (1 of 4 stars; one submission).

Allele frequency attached by ClinVar (database versions not stated): 1000 Genomes Project 30x 0.00047.

Submission:

CeGaT Center for Human Genetics Tuebingen
Classification: Likely benign. Last evaluated: 2026-08-01. Review status: criteria provided, single submitter. Criteria: CeGaT Center For Human Genetics Tuebingen Variant Classification Criteria Version 2. Collection method: clinical testing. Allele origin: germline. Affected: yes. Observed: 22 variant alleles.
Comment: STK11: BS1